The following is an entry in ClinVar:

ClinVar aggregate classification (germline): Pathogenic. Review status: criteria provided, multiple submitters, no conflicts (2 of 4 stars). 4 submissions from 4 submitters: Pathogenic (4). Last evaluated 2025-10-06.

Conditions:
Hereditary nonpolyposis colorectal neoplasms. Identifiers: MedGen C0009405, MeSH D003123.
Lynch syndrome 5 (LYNCH5). Also called: Colorectal cancer, hereditary nonpolyposis, type 5; Hereditary non-polyposis colorectal cancer, type 5. Identifiers: Orphanet 144, MedGen C1833477, MONDO:0013710, OMIM 614350. Disease mechanism: loss of function.
Endometrial carcinoma. Also called: Endometrial carcinoma, somatic. Identifiers: MedGen C0476089, MONDO:0002447, OMIM 608089, HP:0012114.
Hereditary cancer-predisposing syndrome. Also called: Neoplastic Syndromes, Hereditary; Hereditary Cancer Syndrome; Tumor predisposition; Hereditary neoplastic syndrome. Identifiers: Orphanet 140162, MedGen C0027672, MeSH D009386, MONDO:0015356.

Submissions (4):

Labcorp Genetics (formerly Invitae), Labcorp
Classification: Pathogenic for Hereditary nonpolyposis colorectal neoplasms. Last evaluated: 2025-10-06. Review status: criteria provided, single submitter. Criteria: Invitae Variant Classification Sherloc (09022015). Collection method: clinical testing. Allele origin: germline.
Comment: This sequence change creates a premature translational stop signal (p.Lys246Asnfs*32) in the MSH6 gene. It is expected to result in an absent or disrupted protein product. Loss-of-function variants in MSH6 are known to be pathogenic (PMID: 18269114, 24362816). This variant is not present in population databases (gnomAD no frequency). This premature translational stop signal has been observed in individual(s) with Lynch syndrome (PMID: 24278394). ClinVar contains an entry for this variant (Variation ID: 944031). For these reasons, this variant has been classified as Pathogenic.

Myriad Genetics, Inc.
Classification: Pathogenic for Lynch syndrome 5. Last evaluated: 2023-08-10. Review status: criteria provided, single submitter. Criteria: Myriad Autosomal Dominant, Autosomal Recessive and X-Linked Classification Criteria (2023). Collection method: clinical testing. Allele origin: unknown.
Comment: This variant is considered pathogenic. This variant creates a frameshift predicted to result in premature protein truncation.

Baylor Genetics
Classification: Pathogenic for Endometrial carcinoma. Last evaluated: 2023-05-15. Review status: criteria provided, single submitter. Criteria: ACMG Guidelines, 2015. Collection method: clinical testing. Allele origin: unknown.

Ambry Genetics
Classification: Pathogenic for Hereditary cancer-predisposing syndrome. Last evaluated: 2019-06-25. Review status: criteria provided, single submitter. Criteria: Ambry Variant Classification Scheme 2023. Collection method: clinical testing. Allele origin: germline.
Comment: The c.738_741delAAAA pathogenic mutation, located in coding exon 4 of the MSH6 gene, results from a deletion of 4 nucleotides at nucleotide positions 738 to 741, causing a translational frameshift with a predicted alternate stop codon (p.K246Nfs*32). This alteration was detected in 1/132 unrelated individuals who met either Amsterdam I or Amsterdam II criteria (De Lellis L et al. PLoS ONE, 2013 Nov;8:e81194). This alteration is expected to result in loss of function by premature protein truncation or nonsense-mediated mRNA decay. As such, this alteration is interpreted as a disease-causing mutation.

Literature cited by the submitters: PubMed 18269114 (cited by Labcorp Genetics (formerly Invitae), Labcorp); PubMed 24362816 (cited by Labcorp Genetics (formerly Invitae), Labcorp); PubMed 24278394 (cited by Labcorp Genetics (formerly Invitae), Labcorp and Ambry Genetics).

NM_000179.3(MSH6):c.738_741del (p.Lys246fs)

Gene: MSH6 (mutS homolog 6; plus strand). Cytogenetic location: 2p16.3.
Variant type: Deletion.
Coding change: c.738_741del on transcript NM_000179.3 (MANE Select); coding-DNA positions 738 to 741, 4 bases deleted (AAAA; older notation c.738_741delAAAA).
Protein change: p.Lys246fs; shifts the reading frame from lysine 246.
Molecular consequence: frameshift variant. On other transcripts: 5 prime UTR variant (2).
Genome position (GRCh38, 1-based): chr2:47,798,721-47,798,724, AAAA deleted; deleting any 4 consecutive bases within chr2:47,798,718-47,798,724 gives the same sequence; the c. name uses the placement nearest the transcript's 3' end. VCF-style (leftmost placement, unchanged base first): chr2-47798717-TAAAA-T. GRCh37 (hg19) VCF-style: chr2-48025856-TAAAA-T.
Other names: c.738_741delAAAA (NM_000179.2); c.348_351del, p.Lys116fs (NM_001281492.2); c.-169_-166del (NM_001281493.2, NM_001281494.2); short protein forms K246fs, K116fs.
Identifiers: ClinVar variation 944031 (VCV000944031.14), dbSNP rs267608041, ClinGen allele CA1139657004.